The following is an entry in ClinVar:

NM_003468.4(FZD5):c.1237C>T (p.Leu413=)

Gene: FZD5 (frizzled class receptor 5; minus strand). Cytogenetic location: 2q33.3.
Variant type: single nucleotide variant.
Coding change: c.1237C>T on transcript NM_003468.4 (MANE Select); coding-DNA position 1237, C replaced by T.
Protein change: p.Leu413=; no amino-acid change (leucine 413 retained).
Molecular consequence: synonymous variant.
Genome position (GRCh38, 1-based): chr2:207,767,503, G>A on the plus strand (C>T on the coding strand, the complement: FZD5 is on the minus strand). VCF-style: chr2-207767503-G-A. GRCh37 (hg19) VCF-style: chr2-208632227-G-A.
Identifiers: ClinVar variation 774838 (VCV000774838.33), dbSNP rs144525693, ClinGen allele CA2076929.

ClinVar aggregate classification (germline): Benign/Likely benign. Review status: criteria provided, multiple submitters, no conflicts (2 of 4 stars). 3 submissions from 3 submitters: Benign (1); Likely benign (1). 1 of the submissions does not count toward it. Last evaluated 2025-09-16.

Conditions:
FZD5-related disorder. Also called: FZD5-related condition.

Allele frequency attached by ClinVar (database versions not stated): 1000 Genomes Project 30x 0.00141; 1000 Genomes Project 0.00160; ExAC 0.00405; gnomAD exomes 0.00429 and 0.00555; gnomAD 0.00450 and 0.00478; TOPMed 0.00463; ESP Exome Variant Server 0.00592.
gnomAD v4.1: 8,769 of 1,609,890 alleles (0.54%); highest among the groups gnomAD compares: Non-Finnish European, 0.63%; 31 homozygotes.

Submissions (3):

Labcorp Genetics (formerly Invitae), Labcorp
Classification: Benign. Last evaluated: 2025-09-16. Review status: criteria provided, single submitter. Criteria: Invitae Variant Classification Sherloc (09022015). Collection method: clinical testing. Allele origin: germline.

CeGaT Center for Human Genetics Tuebingen
Classification: Likely benign. Last evaluated: 2025-03-01. Review status: criteria provided, single submitter. Criteria: CeGaT Center For Human Genetics Tuebingen Variant Classification Criteria Version 2. Collection method: clinical testing. Allele origin: germline. Affected: yes. Observed: 2 variant alleles.
Comment: FZD5: BP4, BP7, BS2

PreventionGenetics, part of Exact Sciences
Classification: Likely benign for FZD5-related condition. Last evaluated: 2019-04-26. Review status: no assertion criteria provided. Collection method: clinical testing. Allele origin: germline. Not counted in ClinVar's aggregate classification.
Comment: This variant is classified as likely benign based on ACMG/AMP sequence variant interpretation guidelines (Richards et al. 2015 PMID: 25741868, with internal and published modifications).